The following is an entry in ClinVar:

NM_002691.4(POLD1):c.551G>T (p.Gly184Val)

Gene: POLD1 (DNA polymerase delta 1, catalytic subunit; plus strand). Cytogenetic location: 19q13.33.
Variant type: single nucleotide variant.
Coding change: c.551G>T on transcript NM_002691.4 (MANE Select); coding-DNA position 551, G replaced by T.
Protein change: p.Gly184Val; replaces glycine 184 with valine.
Molecular consequence: missense variant. On other transcripts: non-coding transcript variant (1).
Genome position (GRCh38, 1-based): chr19:50,402,086, G>T. VCF-style: chr19-50402086-G-T. GRCh37 (hg19) VCF-style: chr19-50905343-G-T.
Other names: c.551G>T (NM_002691.2); c.551G>T, p.Gly184Val (NM_001256849.1, NM_001308632.1); short protein forms G184V.
Identifiers: ClinVar variation 2095846 (VCV002095846.5), dbSNP rs2122239798, ClinGen allele CA406973314.

ClinVar aggregate classification (germline): Uncertain significance. Review status: criteria provided, multiple submitters, no conflicts (2 of 4 stars). 2 submissions from 2 submitters: Uncertain significance (2). Last evaluated 2025-04-25.

Conditions:
POLD1-related polyposis and colorectal cancer syndrome (CRCS10). Also called: Colorectal cancer 10; COLORECTAL CANCER, SUSCEPTIBILITY TO, ON CHROMOSOME 19q; Colorectal cancer, susceptibility to, 10. Identifiers: Orphanet 220460, MedGen C2675481, MONDO:0012953, OMIM 612591.
Hereditary cancer-predisposing syndrome. Also called: Tumor predisposition; Neoplastic Syndromes, Hereditary; Hereditary Cancer Syndrome; Hereditary neoplastic syndrome. Identifiers: Orphanet 140162, MedGen C0027672, MeSH D009386, MONDO:0015356.

Allele frequency attached by ClinVar (database versions not stated): gnomAD exomes below 0.00001.
gnomAD v4.1: 2 of 1,613,908 alleles (0.00012%); highest among the groups gnomAD compares: Non-Finnish European, 0.00017%; no homozygotes.

Submissions (2):

Ambry Genetics
Classification: Uncertain significance for Hereditary cancer-predisposing syndrome. Last evaluated: 2025-04-25. Review status: criteria provided, single submitter. Criteria: Ambry Variant Classification Scheme 2023. Collection method: clinical testing. Allele origin: germline.
Comment: The p.G184V variant (also known as c.551G>T), located in coding exon 4 of the POLD1 gene, results from a G to T substitution at nucleotide position 551. The glycine at codon 184 is replaced by valine, an amino acid with dissimilar properties. This amino acid position is conserved. In addition, this alteration is predicted to be tolerated by in silico analysis. Based on the available evidence, the clinical significance of this variant remains unclear.

Labcorp Genetics (formerly Invitae), Labcorp
Classification: Uncertain significance for POLD1-related polyposis and colorectal cancer syndrome. Last evaluated: 2025-03-12. Review status: criteria provided, single submitter. Criteria: Invitae Variant Classification Sherloc (09022015). Collection method: clinical testing. Allele origin: germline.
Comment: This sequence change replaces glycine, which is neutral and non-polar, with valine, which is neutral and non-polar, at codon 184 of the POLD1 protein (p.Gly184Val). This variant is not present in population databases (gnomAD no frequency). This variant has not been reported in the literature in individuals affected with POLD1-related conditions. ClinVar contains an entry for this variant (Variation ID: 2095846). Invitae Evidence Modeling of protein sequence and biophysical properties (such as structural, functional, and spatial information, amino acid conservation, physicochemical variation, residue mobility, and thermodynamic stability) indicates that this missense variant is not expected to disrupt POLD1 protein function with a negative predictive value of 80%. In summary, the available evidence is currently insufficient to determine the role of this variant in disease. Therefore, it has been classified as a Variant of Uncertain Significance.